The following is an entry in ClinVar:

ClinVar aggregate classification (germline): Likely benign (1 of 4 stars; one submission).

Submission:

CeGaT Center for Human Genetics Tuebingen
Classification: Likely benign. Last evaluated: 2026-05-01. Review status: criteria provided, single submitter. Criteria: CeGaT Center For Human Genetics Tuebingen Variant Classification Criteria Version 2. Collection method: clinical testing. Allele origin: germline. Affected: yes. Observed: 4 variant alleles.
Comment: BTBD17: BP4, BP7

NM_001080466.2(BTBD17):c.1110G>A (p.Arg370=)

Gene: BTBD17 (BTB domain containing 17; minus strand). Cytogenetic location: 17q25.1.
Variant type: single nucleotide variant.
Coding change: c.1110G>A on transcript NM_001080466.2 (MANE Select); coding-DNA position 1110, G replaced by A.
Protein change: p.Arg370=; no amino-acid change (arginine 370 retained).
Molecular consequence: synonymous variant.
Genome position (GRCh38, 1-based): chr17:74,356,984, C>T on the plus strand (G>A on the coding strand, the complement: BTBD17 is on the minus strand). VCF-style: chr17-74356984-C-T. GRCh37 (hg19) VCF-style: chr17-72353123-C-T.
Identifiers: ClinVar variation 3250683 (VCV003250683.18), dbSNP rs2144318927.